The following is an entry in ClinVar:

ClinVar aggregate classification (germline): Uncertain significance. Review status: criteria provided, multiple submitters, no conflicts (2 of 4 stars). 2 submissions from 2 submitters: Uncertain significance (2). Last evaluated 2025-04-19.

Conditions:
Neurofibromatosis, type 1 (NF1). Also called: NEUROFIBROMATOSIS, TYPE I, SOMATIC; VON RECKLINGHAUSEN DISEASE; Neurofibromatosis, type I; Peripheral type neurofibromatosis. Identifiers: Orphanet 636, MedGen C0027831, MONDO:0018975, OMIM 162200. Disease mechanism: loss of function.
Hereditary cancer-predisposing syndrome. Also called: Neoplastic Syndromes, Hereditary; Hereditary Cancer Syndrome; Hereditary neoplastic syndrome; Tumor predisposition. Identifiers: Orphanet 140162, MedGen C0027672, MeSH D009386, MONDO:0015356.
Cardiovascular phenotype. Identifiers: MedGen CN230736.

Submissions (2):

Ambry Genetics
Classification: Uncertain significance for Cardiovascular phenotype; Hereditary cancer-predisposing syndrome. Last evaluated: 2025-04-19. Review status: criteria provided, single submitter. Criteria: Ambry Variant Classification Scheme 2023. Collection method: clinical testing. Allele origin: germline.
Comment: The p.D1322N variant (also known as c.3964G>A), located in coding exon 29 of the NF1 gene, results from a G to A substitution at nucleotide position 3964. The aspartic acid at codon 1322 is replaced by asparagine, an amino acid with highly similar properties. This amino acid position is conserved. In addition, the in silico prediction for this alteration is inconclusive. Based on the available evidence, the clinical significance of this variant remains unclear.

Labcorp Genetics (formerly Invitae), Labcorp
Classification: Uncertain significance for Neurofibromatosis, type 1. Last evaluated: 2022-06-04. Review status: criteria provided, single submitter. Criteria: Invitae Variant Classification Sherloc (09022015). Collection method: clinical testing. Allele origin: germline.
Comment: This sequence change replaces aspartic acid, which is acidic and polar, with asparagine, which is neutral and polar, at codon 1322 of the NF1 protein (p.Asp1322Asn). This variant is not present in population databases (gnomAD no frequency). This variant has not been reported in the literature in individuals affected with NF1-related conditions. ClinVar contains an entry for this variant (Variation ID: 643890). Advanced modeling of protein sequence and biophysical properties (such as structural, functional, and spatial information, amino acid conservation, physicochemical variation, residue mobility, and thermodynamic stability) performed at Invitae indicates that this missense variant is expected to disrupt NF1 protein function. In summary, the available evidence is currently insufficient to determine the role of this variant in disease. Therefore, it has been classified as a Variant of Uncertain Significance.

NM_001042492.3(NF1):c.3964G>A (p.Asp1322Asn)

Gene: NF1 (neurofibromin 1; plus strand). Cytogenetic location: 17q11.2.
Variant type: single nucleotide variant.
Coding change: c.3964G>A on transcript NM_001042492.3 (MANE Select); coding-DNA position 3964, G replaced by A.
Protein change: p.Asp1322Asn; replaces aspartic acid 1322 with asparagine.
Molecular consequence: missense variant.
Genome position (GRCh38, 1-based): chr17:31,236,011, G>A. VCF-style: chr17-31236011-G-A. GRCh37 (hg19) VCF-style: chr17-29563029-G-A.
Other names: c.3964G>A, p.Asp1322Asn (NM_000267.4); short protein forms D1322N.
Identifiers: ClinVar variation 643890 (VCV000643890.6), dbSNP rs1597723042, ClinGen allele CA398993318.